The following is an entry in ClinVar:

ClinVar aggregate classification (germline): Pathogenic (1 of 4 stars; one submission).

Conditions:
Cerebral cavernous malformation 3. Also called: Familial Cerebral Cavernous Malformation 3. Identifiers: Orphanet 221061, MedGen C1864040, MONDO:0011305, OMIM 603285.

Submission:

Labcorp Genetics (formerly Invitae), Labcorp
Classification: Pathogenic for Cerebral cavernous malformation 3. Last evaluated: 2024-09-02. Review status: criteria provided, single submitter. Criteria: Invitae Variant Classification Sherloc (09022015). Collection method: clinical testing. Allele origin: germline.
Comment: This sequence change affects an acceptor splice site in intron 7 of the PDCD10 gene. While this variant is not anticipated to result in nonsense mediated decay, it likely alters RNA splicing and results in a disrupted protein product. This variant is not present in population databases (gnomAD no frequency). Disruption of this splice site has been observed in individuals with cerebral cavernous malformations (PMID: 24689081; internal data). Variants that disrupt the consensus splice site are a relatively common cause of aberrant splicing (PMID: 17576681, 9536098). Algorithms developed to predict the effect of sequence changes on RNA splicing suggest that this variant may disrupt the consensus splice site. For these reasons, this variant has been classified as Pathogenic.

Literature cited by the submitters: PubMed 24689081; PubMed 17576681; PubMed 9536098.

NM_007217.4(PDCD10):c.558-1G>A

Gene: PDCD10 (programmed cell death 10; minus strand). Cytogenetic location: 3q26.1.
Variant type: single nucleotide variant.
Coding change: c.558-1G>A on transcript NM_007217.4 (MANE Select); the canonical splice acceptor site of the intron before coding-DNA position 558, G replaced by A.
Molecular consequence: splice acceptor variant.
Genome position (GRCh38, 1-based): chr3:167,684,390, C>T on the plus strand (G>A on the coding strand, the complement: PDCD10 is on the minus strand). VCF-style: chr3-167684390-C-T. GRCh37 (hg19) VCF-style: chr3-167402178-C-T.
Other names: c.558-1G>A (NM_145860.2, NM_145859.2).
Identifiers: ClinVar variation 3664286 (VCV003664286.2).